The following is an entry in ClinVar:

NM_001414.4(EIF2B1):c.551G>A (p.Gly184Asp)

Gene: EIF2B1 (eukaryotic translation initiation factor 2B subunit alpha; minus strand). Cytogenetic location: 12q24.31.
Variant type: single nucleotide variant.
Coding change: c.551G>A on transcript NM_001414.4 (MANE Select); coding-DNA position 551, G replaced by A.
Protein change: p.Gly184Asp; replaces glycine 184 with aspartic acid.
Molecular consequence: missense variant.
Genome position (GRCh38, 1-based): chr12:123,626,425, C>T on the plus strand (G>A on the coding strand, the complement: EIF2B1 is on the minus strand). VCF-style: chr12-123626425-C-T. GRCh37 (hg19) VCF-style: chr12-124110972-C-T.
Other names: short protein forms G184D.
Identifiers: ClinVar variation 977417 (VCV000977417.6), dbSNP rs771299612, ClinGen allele CA6860061.

ClinVar aggregate classification (germline): Uncertain significance. Review status: criteria provided, multiple submitters, no conflicts (2 of 4 stars). 2 submissions from 2 submitters: Uncertain significance (2). Last evaluated 2022-05-20.

Conditions:
Inborn genetic diseases. Identifiers: MedGen C0950123, MeSH D030342.
Leukoencephalopathy with vanishing white matter 1 (VWM1). Also called: CHILDHOOD ATAXIA WITH CENTRAL NERVOUS SYSTEM HYPOMYELINIZATION; Vanishing white matter leukodystrophy; EIF2B1-Related Childhood Ataxia with Central Nervous System Hypomyelination/Vanishing White Matter; Cree leukoencephalopathy. Identifiers: Orphanet 99854, MedGen C5779972, MONDO:0020507, OMIM 603896.

Allele frequency attached by ClinVar (database versions not stated): gnomAD exomes 0.00001 and 0.00004; TOPMed 0.00001; ExAC 0.00002; gnomAD 0.00002.
gnomAD v4.1: 19 of 1,613,972 alleles (0.0012%); highest among the groups gnomAD compares: Non-Finnish European, 0.00017%; no homozygotes.

Submissions (2):

Ambry Genetics
Classification: Uncertain significance for Inborn genetic diseases. Last evaluated: 2022-05-20. Review status: criteria provided, single submitter. Criteria: Ambry Variant Classification Scheme 2023. Collection method: clinical testing. Allele origin: germline.
Comment: Occurs in the last base pair of the exon Based on insufficient or conflicting evidence, the clinical significance of this alteration remains unclear.

New York Genome Center
Classification: Uncertain significance for Leukoencephalopathy with vanishing white matter 1. Last evaluated: 2021-12-22. Review status: criteria provided, single submitter. Criteria: NYGC Assertion Criteria 2020. Collection method: clinical testing. Allele origin: germline. Observed: 1 heterozygote. Study: CSER-NYCKidSeq.